The following is an entry in ClinVar:

NM_002691.4(POLD1):c.245C>G (p.Pro82Arg)

Gene: POLD1 (DNA polymerase delta 1, catalytic subunit; plus strand). Cytogenetic location: 19q13.33.
Variant type: single nucleotide variant.
Coding change: c.245C>G on transcript NM_002691.4 (MANE Select); coding-DNA position 245, C replaced by G.
Protein change: p.Pro82Arg; replaces proline 82 with arginine.
Molecular consequence: missense variant. On other transcripts: non-coding transcript variant (1).
Genome position (GRCh38, 1-based): chr19:50,399,413, C>G. VCF-style: chr19-50399413-C-G. GRCh37 (hg19) VCF-style: chr19-50902670-C-G.
Other names: c.245C>G, p.Pro82Arg (NM_001256849.1, NM_001308632.1); short protein forms P82R.
Identifiers: ClinVar variation 3715433 (VCV003715433.2).
Genomic context (GRCh38, chr19:50,399,413, plus strand): 5'-CTTCCCTTCCCCCACCAGGGCAGGTCCCACCATCAGCCATAGATCCTCGCTGGCTTCGGC[C>G]CACACCACCAGCGCTGGACCCCCAGACAGAGCCCCTCATCTTCCAACAGTTGGAGATTGA-3'
Protein context (NP_002682.2, residues 72-92): PSAIDPRWLR[Pro82Arg]TPPALDPQTE

ClinVar aggregate classification (germline): Uncertain significance (1 of 4 stars; one submission).

Conditions:
POLD1-related polyposis and colorectal cancer syndrome (CRCS10). Also called: Colorectal cancer 10; COLORECTAL CANCER, SUSCEPTIBILITY TO, ON CHROMOSOME 19q; Colorectal cancer, susceptibility to, 10. Identifiers: Orphanet 220460, MedGen C2675481, MONDO:0012953, OMIM 612591.

gnomAD v4.1: 7 of 1,614,196 alleles (0.00043%); highest among the groups gnomAD compares: South Asian, 0.0077%; no homozygotes.

Submission:

Labcorp Genetics (formerly Invitae), Labcorp
Classification: Uncertain significance for POLD1-related polyposis and colorectal cancer syndrome. Last evaluated: 2024-12-21. Review status: criteria provided, single submitter. Criteria: Invitae Variant Classification Sherloc (09022015). Collection method: clinical testing. Allele origin: germline.
Comment: This sequence change replaces proline, which is neutral and non-polar, with arginine, which is basic and polar, at codon 82 of the POLD1 protein (p.Pro82Arg). This variant is present in population databases (no rsID available, gnomAD 0.006%). This variant has not been reported in the literature in individuals affected with POLD1-related conditions. Invitae Evidence Modeling of protein sequence and biophysical properties (such as structural, functional, and spatial information, amino acid conservation, physicochemical variation, residue mobility, and thermodynamic stability) indicates that this missense variant is not expected to disrupt POLD1 protein function with a negative predictive value of 80%. In summary, the available evidence is currently insufficient to determine the role of this variant in disease. Therefore, it has been classified as a Variant of Uncertain Significance.